The following is an entry in ClinVar:

NM_006351.4(TIMM44):c.45+8G>A

Gene: TIMM44 (translocase of inner mitochondrial membrane 44; minus strand). Cytogenetic location: 19p13.2.
Variant type: single nucleotide variant.
Coding change: c.45+8G>A on transcript NM_006351.4 (MANE Select); 8 bases into the intron after coding-DNA position 45, G replaced by A.
Molecular consequence: intron variant.
Genome position (GRCh38, 1-based): chr19:7,943,599, C>T on the plus strand (G>A on the coding strand, the complement: TIMM44 is on the minus strand). VCF-style: chr19-7943599-C-T. GRCh37 (hg19) VCF-style: chr19-8008484-C-T.
Identifiers: ClinVar variation 137656 (VCV000137656.6), dbSNP rs12985279, ClinGen allele CA291309.

ClinVar aggregate classification (germline): Benign. Review status: criteria provided, multiple submitters, no conflicts (2 of 4 stars). 3 submissions from 3 submitters: Benign (2). 1 of the submissions does not count toward it. Last evaluated 2013-12-27.

Allele frequency attached by ClinVar (database versions not stated): ESP Exome Variant Server 0.05414; gnomAD 0.05992 and 0.06040; gnomAD exomes 0.06801 and 0.05548; 1000 Genomes Project 0.04792; ExAC 0.07900; 1000 Genomes Project 30x 0.04747; TOPMed 0.05653.
gnomAD v4.1: 104,899 of 1,562,416 alleles (6.7%); highest among the groups gnomAD compares: Middle Eastern, 7.7%; 3,658 homozygotes.

Submissions (3):

GeneDx
Classification: Benign. Last evaluated: 2013-12-27. Review status: criteria provided, single submitter. Criteria: GeneDx Variant Classification (06012015). Collection method: clinical testing. Allele origin: germline. Affected: yes.
Comment: This variant is considered likely benign or benign based on one or more of the following criteria: it is a conservative change, it occurs at a poorly conserved position in the protein, it is predicted to be benign by multiple in silico algorithms, and/or has population frequency not consistent with disease.

Breakthrough Genomics
Classification: Benign. Review status: criteria provided, single submitter. Criteria: ACMG Guidelines, 2015. Collection method: not provided. Allele origin: germline. Inheritance: Unknown mechanism. Affected: yes.

Mayo Clinic Laboratories, Mayo Clinic
Classification: Benign. Last evaluated: 2016-02-23. Review status: no assertion criteria provided. Collection method: clinical testing. Allele origin: unknown. Not counted in ClinVar's aggregate classification.